The following is an entry in ClinVar:

ClinVar aggregate classification (germline): Likely benign (1 of 4 stars; one submission).

gnomAD v4.1: 2 of 1,522,572 alleles (0.00013%); highest among the groups gnomAD compares: Non-Finnish European, 0.00018%; no homozygotes.

Submission:

GeneDx
Classification: Likely benign. Last evaluated: 2017-08-01. Review status: criteria provided, single submitter. Criteria: GeneDx Variant Classification (06012015). Collection method: clinical testing. Allele origin: germline. Affected: yes.
Comment: This variant is considered likely benign or benign based on one or more of the following criteria: it is a conservative change, it occurs at a poorly conserved position in the protein, it is predicted to be benign by multiple in silico algorithms, and/or has population frequency not consistent with disease.

NM_000143.4(FH):c.-17C>T

Gene: FH (fumarate hydratase; minus strand). Cytogenetic location: 1q43.
Variant type: single nucleotide variant.
Coding change: c.-17C>T on transcript NM_000143.4 (MANE Select); 17 bases upstream of the start codon, C replaced by T.
Molecular consequence: 5 prime UTR variant.
Genome position (GRCh38, 1-based): chr1:241,519,739, G>A on the plus strand (C>T on the coding strand, the complement: FH is on the minus strand). VCF-style: chr1-241519739-G-A. GRCh37 (hg19) VCF-style: chr1-241683039-G-A.
Identifiers: ClinVar variation 511187 (VCV000511187.1), dbSNP rs202081538, ClinGen allele CA658795651.
Genomic context (GRCh38, chr1:241,519,739, plus strand): 5'-ACGAGGGGACGCGAGCGCGCGAGGAGCCGAAGTGCTCGGTACATGGTGCTGAGGGAGCTT[G>A]GGTAGAATTTCTGGGCGGCTGTGGCCACGCCTCCACGCCGGTTGTCAGAAACCGTTCCGC-3'